The following is an entry in ClinVar:

NM_198428.3(BBS9):c.797G>A (p.Arg266Lys)

Gene: BBS9 (Bardet-Biedl syndrome 9; plus strand). Cytogenetic location: 7p14.3.
Variant type: single nucleotide variant.
Coding change: c.797G>A on transcript NM_198428.3 (MANE Select); coding-DNA position 797, G replaced by A.
Protein change: p.Arg266Lys; replaces arginine 266 with lysine.
Molecular consequence: missense variant. On other transcripts: non-coding transcript variant (3).
Genome position (GRCh38, 1-based): chr7:33,273,106, G>A. VCF-style: chr7-33273106-G-A. GRCh37 (hg19) VCF-style: chr7-33312718-G-A.
Other names: c.797G>A, p.Arg266Lys (NM_001033604.2, NM_001033605.2, NM_001348036.1 and 5 more transcripts); c.431G>A, p.Arg144Lys (NM_001348037.3, NM_001348044.3, NM_001348045.3 and 1 more transcripts); c.524G>A, p.Arg175Lys (NM_001348038.3, NM_001348039.3); c.662G>A, p.Arg221Lys (NM_001348042.3); short protein forms R144K, R175K, R221K, R266K.
Identifiers: ClinVar variation 3347269 (VCV003347269.1).

ClinVar aggregate classification (germline): Uncertain significance (0 of 4 stars; one submission).

Conditions:
BBS9-related disorder. Also called: BBS9-related condition.

Submission:

PreventionGenetics, part of Exact Sciences
Classification: Uncertain significance for BBS9-related condition. Last evaluated: 2024-04-11. Review status: no assertion criteria provided. Collection method: clinical testing. Allele origin: germline.
Comment: The BBS9 c.797G>A variant is predicted to result in the amino acid substitution p.Arg266Lys. To our knowledge, this variant has not been reported in the literature or in gnomAD, indicating this variant is rare. At this time, the clinical significance of this variant is uncertain due to the absence of conclusive functional and genetic evidence.